The following is an entry in ClinVar:

ClinVar aggregate classification (germline): Conflicting classifications of pathogenicity. Review status: criteria provided, conflicting classifications (1 of 4 stars). 2 submissions from 2 submitters: Uncertain significance (1); Likely benign (1). Last evaluated 2025-07-28.

Conditions:
Neutropenia, severe congenital, 2, autosomal dominant. Identifiers: Orphanet 486, MedGen C2751288, MONDO:0013139, OMIM 613107.

Allele frequency attached by ClinVar (database versions not stated): gnomAD exomes below 0.00001.
gnomAD v4.1: 2 of 1,599,886 alleles (0.00013%); highest among the groups gnomAD compares: Non-Finnish European, 0.00017%; no homozygotes.

Submissions (2):

Ambry Genetics
Classification: Likely benign. Last evaluated: 2025-07-28. Review status: criteria provided, single submitter. Criteria: Ambry Variant Classification Scheme 2023. Collection method: clinical testing. Allele origin: germline.

Labcorp Genetics (formerly Invitae), Labcorp
Classification: Uncertain significance for Neutropenia, severe congenital, 2, autosomal dominant. Last evaluated: 2022-05-04. Review status: criteria provided, single submitter. Criteria: Invitae Variant Classification Sherloc (09022015). Collection method: clinical testing. Allele origin: germline.
Comment: In summary, the available evidence is currently insufficient to determine the role of this variant in disease. Therefore, it has been classified as a Variant of Uncertain Significance. Algorithms developed to predict the effect of missense changes on protein structure and function output the following: SIFT: "Tolerated"; PolyPhen-2: "Benign"; Align-GVGD: "Class C0". The glycine amino acid residue is found in multiple mammalian species, which suggests that this missense change does not adversely affect protein function. This variant has not been reported in the literature in individuals affected with GFI1-related conditions. This variant is not present in population databases (gnomAD no frequency). This sequence change replaces arginine, which is basic and polar, with glycine, which is neutral and non-polar, at codon 37 of the GFI1 protein (p.Arg37Gly).

NM_005263.5(GFI1):c.109C>G (p.Arg37Gly)

Gene: GFI1 (growth factor independent 1 transcriptional repressor; minus strand). Cytogenetic location: 1p22.1.
Variant type: single nucleotide variant.
Coding change: c.109C>G on transcript NM_005263.5 (MANE Select); coding-DNA position 109, C replaced by G.
Protein change: p.Arg37Gly; replaces arginine 37 with glycine.
Molecular consequence: missense variant.
Genome position (GRCh38, 1-based): chr1:92,483,379, G>C on the plus strand (C>G on the coding strand, the complement: GFI1 is on the minus strand). VCF-style: chr1-92483379-G-C. GRCh37 (hg19) VCF-style: chr1-92948936-G-C.
Other names: c.109C>G, p.Arg37Gly (NM_001127215.3, NM_001127216.3); c.109C>G (NM_005263.3); short protein forms R37G.
Identifiers: ClinVar variation 1405692 (VCV001405692.9), dbSNP rs2101582188, ClinGen allele CA341150681.